The following is an entry in ClinVar:

ClinVar aggregate classification (germline): Benign. Review status: criteria provided, single submitter (1 of 4 stars). 2 submissions from 2 submitters: Benign (1). 1 of the submissions does not count toward it. Last evaluated 2025-01-06.

Conditions:
PRMT7-related disorder. Also called: PRMT7-related condition.

Allele frequency attached by ClinVar (database versions not stated): TOPMed 0.00002; gnomAD 0.00007; ExAC 0.00044; 1000 Genomes Project 0.00060; 1000 Genomes Project 30x 0.00062.
gnomAD v4.1: 270 of 1,604,768 alleles (0.017%); highest among the groups gnomAD compares: South Asian, 0.26%; 6 homozygotes.

Submissions (2):

Labcorp Genetics (formerly Invitae), Labcorp
Classification: Benign. Last evaluated: 2025-01-06. Review status: criteria provided, single submitter. Criteria: Invitae Variant Classification Sherloc (09022015). Collection method: clinical testing. Allele origin: germline.

PreventionGenetics, part of Exact Sciences
Classification: Likely benign for PRMT7-related condition. Last evaluated: 2022-10-27. Review status: no assertion criteria provided. Collection method: clinical testing. Allele origin: germline. Not counted in ClinVar's aggregate classification.
Comment: This variant is classified as likely benign based on ACMG/AMP sequence variant interpretation guidelines (Richards et al. 2015 PMID: 25741868, with internal and published modifications).

NM_019023.5(PRMT7):c.1789G>A (p.Glu597Lys)

Gene: PRMT7 (protein arginine methyltransferase 7; plus strand). Cytogenetic location: 16q22.1.
Variant type: single nucleotide variant.
Coding change: c.1789G>A on transcript NM_019023.5 (MANE Select); coding-DNA position 1789, G replaced by A.
Protein change: p.Glu597Lys; replaces glutamic acid 597 with lysine.
Molecular consequence: missense variant. On other transcripts: non-coding transcript variant (12).
Genome position (GRCh38, 1-based): chr16:68,355,861, G>A. VCF-style: chr16-68355861-G-A. GRCh37 (hg19) VCF-style: chr16-68389764-G-A.
Other names: c.1639G>A, p.Glu547Lys (NM_001184824.4); c.1789G>A, p.Glu597Lys (NM_001290018.2, NM_001351143.3, NM_001378018.1); c.1792G>A, p.Glu598Lys (NM_001351144.3); c.1582G>A, p.Glu528Lys (NM_001378020.1); c.1552G>A, p.Glu518Lys (NM_001378021.1, NM_001378022.1, NM_001378023.1); short protein forms E518K, E528K, E547K, E597K, E598K.
Identifiers: ClinVar variation 3055176 (VCV003055176.4), dbSNP rs572787826, ClinGen allele CA8127634.
Genomic context (GRCh38, chr16:68,355,861, plus strand): 5'-CCCTGGCAGATCCTGACCTTTGACTTCCAGCAGCCGGTGCCCCTGCAGCCCCTGTGTGCC[G>A]AGGGCACCGTGGAGCTCAGAAGGTGGGTGCAGAGAGGGCTGGGGGGCAGGGAGGGGCTGC-3'
Protein context (NP_061896.1, residues 587-607): QPVPLQPLCA[Glu597Lys]GTVELRRPGQ